The following is an entry in ClinVar:

ClinVar aggregate classification (germline): Uncertain significance (1 of 4 stars; one submission).

Conditions:
Bardet-Biedl syndrome 16 (BBS16). Identifiers: Orphanet 110, MedGen C3889474, MONDO:0014444, OMIM 615993.
Senior-Loken syndrome 7 (SLSN7). Identifiers: Orphanet 3156, MedGen C3150877, MONDO:0013326, OMIM 613615.

Allele frequency attached by ClinVar (database versions not stated): gnomAD exomes below 0.00001.
gnomAD v4.1: 1 of 1,614,136 alleles (0.000062%); highest among the groups gnomAD compares: Non-Finnish European, 0.000085%; no homozygotes.

Submission:

Labcorp Genetics (formerly Invitae), Labcorp
Classification: Uncertain significance for Bardet-Biedl syndrome 16; Senior-Loken syndrome 7. Last evaluated: 2022-10-17. Review status: criteria provided, single submitter. Criteria: Invitae Variant Classification Sherloc (09022015). Collection method: clinical testing. Allele origin: germline.
Comment: Variants that disrupt the consensus splice site are a relatively common cause of aberrant splicing (PMID: 17576681, 9536098). Algorithms developed to predict the effect of sequence changes on RNA splicing suggest that this variant is not likely to affect RNA splicing. In summary, the available evidence is currently insufficient to determine the role of this variant in disease. Therefore, it has been classified as a Variant of Uncertain Significance. This variant has not been reported in the literature in individuals affected with SDCCAG8-related conditions. This sequence change falls in intron 5 of the SDCCAG8 gene. It does not directly change the encoded amino acid sequence of the SDCCAG8 protein. It affects a nucleotide within the consensus splice site. This variant is present in population databases (no rsID available, gnomAD 0.0009%).

Literature cited by the submitters: PubMed 17576681; PubMed 9536098.

NM_006642.5(SDCCAG8):c.547-3T>C

Gene: SDCCAG8 (SHH signaling and ciliogenesis regulator SDCCAG8; plus strand). Cytogenetic location: 1q43.
Variant type: single nucleotide variant.
Coding change: c.547-3T>C on transcript NM_006642.5 (MANE Select); 3 bases into the intron before coding-DNA position 547, T replaced by C.
Molecular consequence: intron variant.
Genome position (GRCh38, 1-based): chr1:243,293,088, T>C. VCF-style: chr1-243293088-T-C. GRCh37 (hg19) VCF-style: chr1-243456390-T-C.
Other names: c.253-3T>C (NM_001350249.2); c.-827-3T>C (NM_001350251.2); c.547-3T>C (NM_001350248.2); c.-566-3T>C (NM_001350246.2); c.-454-3T>C (NM_001350247.2).
Identifiers: ClinVar variation 2052547 (VCV002052547.4), dbSNP rs1172254078, ClinGen allele CA529971658.